The following is an entry in ClinVar:

ClinVar aggregate classification (germline): Conflicting classifications of pathogenicity. Review status: criteria provided, conflicting classifications (1 of 4 stars). 8 submissions from 8 submitters: Uncertain significance (6); Likely benign (1). 1 of the submissions does not count toward it. Last evaluated 2026-01-21.

Conditions:
Spermatogenic failure 28. Identifiers: MedGen C4748117, MONDO:0054732, OMIM 618086.
Fanconi anemia (FA). Also called: Fanconi's anemia. Identifiers: Orphanet 84, MedGen C0015625, MeSH D005199, MONDO:0019391.
Inborn genetic diseases. Identifiers: MedGen C0950123, MeSH D030342.
FANCM-related disorder. Also called: FANCM-related condition.
Premature ovarian failure 15. Identifiers: MedGen C4748170, MONDO:0054862, OMIM 618096.

Allele frequency attached by ClinVar (database versions not stated): gnomAD exomes 0.00001 and 0.00003; ExAC 0.00004; TOPMed 0.00014; ESP Exome Variant Server 0.00015; gnomAD 0.00015 and 0.00016.
gnomAD v4.1: 34 of 1,601,006 alleles (0.0021%); highest among the groups gnomAD compares: African/African-American, 0.043%; no homozygotes.

Submissions (8):

Labcorp Genetics (formerly Invitae), Labcorp
Classification: Uncertain significance for Fanconi anemia. Last evaluated: 2026-01-21. Review status: criteria provided, single submitter. Criteria: Invitae Variant Classification Sherloc (09022015). Collection method: clinical testing. Allele origin: germline.
Comment: This sequence change replaces valine, which is neutral and non-polar, with isoleucine, which is neutral and non-polar, at codon 840 of the FANCM protein (p.Val840Ile). This variant is present in population databases (rs374402732, gnomAD 0.04%). This variant has not been reported in the literature in individuals affected with FANCM-related conditions. ClinVar contains an entry for this variant (Variation ID: 857495). An algorithm developed to predict the effect of missense changes on protein structure and function (PolyPhen-2) suggests that this variant is likely to be tolerated. In summary, the available evidence is currently insufficient to determine the role of this variant in disease. Therefore, it has been classified as a Variant of Uncertain Significance.

GeneDx
Classification: Uncertain significance. Last evaluated: 2025-08-07. Review status: criteria provided, single submitter. Criteria: GeneDx Variant Classification Process June 2021. Collection method: clinical testing. Allele origin: germline. Affected: yes.
Comment: In silico analysis suggests that this missense variant does not alter protein structure/function; Has not been previously published as pathogenic or benign to our knowledge; This variant is associated with the following publications: (PMID: 34754157)

Quest Diagnostics Nichols Institute San Juan Capistrano
Classification: Uncertain significance. Last evaluated: 2025-01-16. Review status: criteria provided, single submitter. Criteria: Quest Diagnostics criteria. Collection method: clinical testing. Allele origin: unknown.
Comment: The FANCM c.2518G>A (p.Val840Ile) variant has been observed in a reportedly healthy individual in a breast cancer risk association study (PMID: 33471991 (2021), see also LOVD). The frequency of this variant in the general population (Genome Aggregation Database) is uninformative in the assessment of its pathogenicity. Analysis of this variant using bioinformatics tools for the prediction of the effect of amino acid changes on protein structure and function yielded predictions that this variant is benign. Based on the available information, we are unable to determine the clinical significance of this variant.

Ambry Genetics
Classification: Uncertain significance for Inborn genetic diseases. Last evaluated: 2024-10-05. Review status: criteria provided, single submitter. Criteria: Ambry Variant Classification Scheme 2023. Collection method: clinical testing. Allele origin: germline.
Comment: The p.V840I variant (also known as c.2518G>A), located in coding exon 14 of the FANCM gene, results from a G to A substitution at nucleotide position 2518. The valine at codon 840 is replaced by isoleucine, an amino acid with highly similar properties. This amino acid position is conserved. In addition, this alteration is predicted to be tolerated by in silico analysis. Based on the available evidence, the clinical significance of this variant remains unclear.

Fulgent Genetics
Classification: Uncertain significance for Spermatogenic failure 28; Premature ovarian failure 15. Last evaluated: 2024-05-13. Review status: criteria provided, single submitter. Criteria: ACMG Guidelines, 2015. Collection method: clinical testing. Allele origin: germline.

Blueprint Genetics
Classification: Likely benign. Last evaluated: 2022-07-28. Review status: criteria provided, single submitter. Criteria: ACMG Guidelines, 2015. Collection method: clinical testing. Allele origin: germline.

Baylor Genetics
Classification: Uncertain significance for Spermatogenic failure 28. Last evaluated: 2020-05-14. Review status: criteria provided, single submitter. Criteria: ACMG Guidelines, 2015. Collection method: clinical testing. Allele origin: unknown. Affected: yes. Study: CSER-TexasKidsCanSeq.
Comment: This variant was determined to be of uncertain significance according to ACMG Guidelines, 2015 [PMID:25741868].

PreventionGenetics, part of Exact Sciences
Classification: Uncertain significance for FANCM-related condition. Last evaluated: 2023-11-29. Review status: no assertion criteria provided. Collection method: clinical testing. Allele origin: germline. Not counted in ClinVar's aggregate classification.
Comment: The FANCM c.2518G>A variant is predicted to result in the amino acid substitution p.Val840Ile. To our knowledge, this variant has not been reported in the literature. This variant is reported in 0.036% of alleles in individuals of African descent in gnomAD. In ClinVar, this variant is classified as a variant of uncertain clinical significance. At this time, the clinical significance of this variant is uncertain due to the absence of conclusive functional and genetic evidence.

Literature cited by the submitters: PubMed 33471991 (cited by Quest Diagnostics Nichols Institute San Juan Capistrano).

NM_020937.4(FANCM):c.2518G>A (p.Val840Ile)

Gene: FANCM (FA complementation group M; plus strand). Cytogenetic location: 14q21.2.
Variant type: single nucleotide variant.
Coding change: c.2518G>A on transcript NM_020937.4 (MANE Select); coding-DNA position 2518, G replaced by A.
Protein change: p.Val840Ile; replaces valine 840 with isoleucine.
Molecular consequence: missense variant.
Genome position (GRCh38, 1-based): chr14:45,175,272, G>A. VCF-style: chr14-45175272-G-A. GRCh37 (hg19) VCF-style: chr14-45644475-G-A.
Other names: c.2440G>A, p.Val814Ile (NM_001308133.2); short protein forms V814I, V840I.
Identifiers: ClinVar variation 857495 (VCV000857495.19), dbSNP rs374402732, ClinGen allele CA7169366.
Genomic context (GRCh38, chr14:45,175,272, plus strand): 5'-AACATAAATCAAGGCAGTTCATCCTCAGTGATAGAATCTGATGAAGAATGTGCTGAAATT[G>A]TTAAACAAACTCATATCAAACCTACTAAAATTGTTTCTTTAAAGAAAAAAGTGTCTAAAG-3'
Protein context (NP_065988.1, residues 830-850): IESDEECAEI[Val840Ile]KQTHIKPTKI